The following is an entry in ClinVar:

ClinVar aggregate classification (germline): Uncertain significance (1 of 4 stars; one submission).

Allele frequency attached by ClinVar (database versions not stated): ExAC 0.00001; gnomAD exomes 0.00001; TOPMed 0.00002.
gnomAD v4.1: 3 of 1,613,480 alleles (0.00019%); highest among the groups gnomAD compares: Admixed American, 0.005%; no homozygotes.

Submission:

Labcorp Genetics (formerly Invitae), Labcorp
Classification: Uncertain significance. Last evaluated: 2023-12-11. Review status: criteria provided, single submitter. Criteria: Invitae Variant Classification Sherloc (09022015). Collection method: clinical testing. Allele origin: germline.
Comment: This sequence change replaces valine, which is neutral and non-polar, with leucine, which is neutral and non-polar, at codon 121 of the DNAJB13 protein (p.Val121Leu). This variant is present in population databases (rs756163660, gnomAD 0.006%). This variant has not been reported in the literature in individuals affected with DNAJB13-related conditions. An algorithm developed to predict the effect of missense changes on protein structure and function (PolyPhen-2) suggests that this variant is likely to be tolerated. In summary, the available evidence is currently insufficient to determine the role of this variant in disease. Therefore, it has been classified as a Variant of Uncertain Significance.

NM_153614.4(DNAJB13):c.361G>T (p.Val121Leu)

Gene: DNAJB13 (DnaJ heat shock protein family (Hsp40) member B13; plus strand). Cytogenetic location: 11q13.4.
Variant type: single nucleotide variant.
Coding change: c.361G>T on transcript NM_153614.4 (MANE Select); coding-DNA position 361, G replaced by T.
Protein change: p.Val121Leu; replaces valine 121 with leucine.
Molecular consequence: missense variant.
Genome position (GRCh38, 1-based): chr11:73,964,904, G>T. VCF-style: chr11-73964904-G-T. GRCh37 (hg19) VCF-style: chr11-73675949-G-T.
Other names: c.187G>T, p.Val63Leu (NM_001377263.1); short protein forms V63L, V121L.
Identifiers: ClinVar variation 2988020 (VCV002988020.3), dbSNP rs756163660, ClinGen allele CA6180742.
Genomic context (GRCh38, chr11:73,964,904, plus strand): 5'-CAATTTCTCTTACTCCTCTCCCTACCTCCTGCAGAGTTTTTTGATGCAGAAGGAAGTGAG[G>T]TAGATTTGAACTTTGGGGGGCTCCAGGGCCGAGGGGTCAAGAAGCAGGACCCCCAAGTCG-3'
Protein context (NP_705842.2, residues 111-131): SEFFDAEGSE[Val121Leu]DLNFGGLQGR